The following is an entry in ClinVar:

NM_058216.3(RAD51C):c.105T>C (p.Ala35=)

Gene: RAD51C (RAD51 paralog C; plus strand). Cytogenetic location: 17q22.
Variant type: single nucleotide variant.
Coding change: c.105T>C on transcript NM_058216.3 (MANE Select); coding-DNA position 105, T replaced by C.
Protein change: p.Ala35=; no amino-acid change (alanine 35 retained).
Molecular consequence: synonymous variant. On other transcripts: non-coding transcript variant (1).
Genome position (GRCh38, 1-based): chr17:58,692,748, T>C. VCF-style: chr17-58692748-T-C. GRCh37 (hg19) VCF-style: chr17-56770109-T-C.
Other names: c.105T>C, p.Ala35= (NM_002876.4).
Identifiers: ClinVar variation 1119812 (VCV001119812.12), dbSNP rs2143678775, ClinGen allele CA501074379.
Genomic context (GRCh38, chr17:58,692,748, plus strand): 5'-GAGTTTCCCGCTGTCTCCAGCGGTGCGGGTGAAGCTGGTGTCTGCGGGGTTCCAGACTGC[T>C]GAGGAACTCCTAGAGGTGAAACCCTCCGAGCTTAGCAAAGGTAACGACTCCTGATGGCAA-3'
Protein context (NP_478123.1, residues 25-45): VKLVSAGFQT[Ala35=]EELLEVKPSE

ClinVar aggregate classification (germline): Benign/Likely benign. Review status: criteria provided, multiple submitters, no conflicts (2 of 4 stars). 3 submissions from 3 submitters: Benign (1); Likely benign (2). Last evaluated 2025-04-08.

Conditions:
Hereditary cancer-predisposing syndrome. Also called: Neoplastic Syndromes, Hereditary; Hereditary Cancer Syndrome; Hereditary neoplastic syndrome; Tumor predisposition. Identifiers: Orphanet 140162, MedGen C0027672, MeSH D009386, MONDO:0015356.
Breast-ovarian cancer, familial, susceptibility to, 3. Also called: RAD51C-Related Breast/Ovarian Cancer. Identifiers: Orphanet 145, MedGen C3150659, MONDO:0013253, OMIM 613399.
Fanconi anemia complementation group O. Also called: RAD51C-Related Fanconi Anemia. Identifiers: Orphanet 84, MedGen C3150653, MONDO:0013248, OMIM 613390.

Allele frequency attached by ClinVar (database versions not stated): gnomAD exomes below 0.00001.
gnomAD v4.1: 2 of 1,614,238 alleles (0.00012%); highest among the groups gnomAD compares: Non-Finnish European, 0.00017%; no homozygotes.

Submissions (3):

Labcorp Genetics (formerly Invitae), Labcorp
Classification: Likely benign for Fanconi anemia complementation group O. Last evaluated: 2025-04-08. Review status: criteria provided, single submitter. Criteria: Invitae Variant Classification Sherloc (09022015). Collection method: clinical testing. Allele origin: germline.

Myriad Genetics, Inc.
Classification: Benign for Breast-ovarian cancer, familial, susceptibility to, 3. Last evaluated: 2025-02-14. Review status: criteria provided, single submitter. Criteria: Myriad Autosomal Dominant, Autosomal Recessive and X-Linked Classification Criteria (2023). Collection method: clinical testing. Allele origin: unknown.
Comment: This variant is considered benign. This variant is a silent/synonymous amino acid change and it is not expected to impact splicing.

Ambry Genetics
Classification: Likely benign for Hereditary cancer-predisposing syndrome. Last evaluated: 2019-10-04. Review status: criteria provided, single submitter. Criteria: Ambry Variant Classification Scheme 2023. Collection method: clinical testing. Allele origin: germline.